The following is an entry in ClinVar:

NM_002180.3(IGHMBP2):c.1632+5G>A

Genes: IGHMBP2 (immunoglobulin mu DNA binding protein 2; plus strand), LOC126861245 (CDK7 strongly-dependent group 2 enhancer GRCh37_chr11:68701479-68702678; plus strand). Cytogenetic location: 11q13.3.
Variant type: single nucleotide variant.
Coding change: c.1632+5G>A on transcript NM_002180.3 (MANE Select); 5 bases into the intron after coding-DNA position 1632, G replaced by A.
Molecular consequence: intron variant.
Genome position (GRCh38, 1-based): chr11:68,934,563, G>A. VCF-style: chr11-68934563-G-A. GRCh37 (hg19) VCF-style: chr11-68702031-G-A.
Identifiers: ClinVar variation 3763325 (VCV003763325.1).

ClinVar aggregate classification (germline): Uncertain significance (1 of 4 stars; one submission).

Conditions:
Autosomal recessive distal spinal muscular atrophy 1. Also called: NEURONOPATHY, DISTAL HEREDITARY MOTOR, HARDING TYPE VI; NEUROPATHY, DISTAL HEREDITARY MOTOR, AUTOSOMAL RECESSIVE 1; SEVERE INFANTILE AXONAL NEUROPATHY WITH RESPIRATORY FAILURE; SPINAL MUSCULAR ATROPHY, DIAPHRAGMATIC; Spinal muscular atrophy with respiratory distress 1; HMN VI. Identifiers: Orphanet 98920, MedGen C1858517, MONDO:0011436, OMIM 604320.
Charcot-Marie-Tooth disease axonal type 2S. Also called: CHARCOT-MARIE-TOOTH DISEASE, AXONAL, AUTOSOMAL RECESSIVE, TYPE 2S; CHARCOT-MARIE-TOOTH NEUROPATHY, TYPE 2S. Identifiers: Orphanet 443073, MedGen C4015349, MONDO:0014511, OMIM 616155.

gnomAD v4.1: 19 of 1,602,258 alleles (0.0012%); highest among the groups gnomAD compares: Admixed American, 0.0067%; no homozygotes.

Submission:

Labcorp Genetics (formerly Invitae), Labcorp
Classification: Uncertain significance for Autosomal recessive distal spinal muscular atrophy 1; Charcot-Marie-Tooth disease axonal type 2S. Last evaluated: 2024-12-17. Review status: criteria provided, single submitter. Criteria: Invitae Variant Classification Sherloc (09022015). Collection method: clinical testing. Allele origin: germline.
Comment: This sequence change falls in intron 11 of the IGHMBP2 gene. It does not directly change the encoded amino acid sequence of the IGHMBP2 protein. It affects a nucleotide within the consensus splice site. This variant is present in population databases (rs776712637, gnomAD 0.009%). This variant has not been reported in the literature in individuals affected with IGHMBP2-related conditions. Variants that disrupt the consensus splice site are a relatively common cause of aberrant splicing (PMID: 17576681, 9536098). Algorithms developed to predict the effect of sequence changes on RNA splicing suggest that this variant is not likely to affect RNA splicing. In summary, the available evidence is currently insufficient to determine the role of this variant in disease. Therefore, it has been classified as a Variant of Uncertain Significance.

Literature cited by the submitters: PubMed 17576681; PubMed 9536098.